The following is an entry in ClinVar:

ClinVar aggregate classification (germline): Conflicting classifications of pathogenicity. Review status: criteria provided, conflicting classifications (1 of 4 stars). 4 submissions from 4 submitters: Uncertain significance (1); Likely benign (3). Last evaluated 2026-04-21.

Conditions:
FHOD3-related disorder. Also called: FHOD3-related condition.
Inborn genetic diseases. Identifiers: MedGen C0950123, MeSH D030342.

gnomAD v4.1: 111 of 1,614,112 alleles (0.0069%); highest among the groups gnomAD compares: African/African-American, 0.088%; no homozygotes.

Submissions (4):

PreventionGenetics, part of Exact Sciences
Classification: Likely benign for FHOD3-related condition. Last evaluated: 2026-04-21. Review status: criteria provided, single submitter. Criteria: ACMG Guidelines, 2015. Collection method: clinical testing. Allele origin: germline.
Comment: This variant is classified as likely benign based on ACMG/AMP sequence variant interpretation guidelines (Richards et al. 2015 PMID: 25741868, with internal and published modifications).

Molecular Diagnostic Laboratory for Inherited Cardiovascular Disease, Montreal Heart Institute
Classification: Likely benign. Last evaluated: 2026-03-27. Review status: criteria provided, single submitter. Criteria: ACMG Guidelines, 2015. Collection method: clinical testing. Allele origin: germline. Affected: no.
Comment: BS1, BP4

Ambry Genetics
Classification: Uncertain significance for Inborn genetic diseases. Last evaluated: 2025-02-10. Review status: criteria provided, single submitter. Criteria: Ambry Variant Classification Scheme 2023. Collection method: clinical testing. Allele origin: germline.

Blueprint Genetics
Classification: Likely benign. Last evaluated: 2023-08-22. Review status: criteria provided, single submitter. Criteria: ACMG Guidelines, 2015. Collection method: clinical testing. Allele origin: germline.

NM_001281740.3(FHOD3):c.3313C>T (p.Arg1105Cys)

Gene: FHOD3 (formin homology 2 domain containing 3; plus strand). Cytogenetic location: 18q12.2.
Variant type: single nucleotide variant.
Coding change: c.3313C>T on transcript NM_001281740.3 (MANE Select); coding-DNA position 3313, C replaced by T.
Protein change: p.Arg1105Cys; replaces arginine 1105 with cysteine.
Molecular consequence: missense variant.
Genome position (GRCh38, 1-based): chr18:36,718,611, C>T. VCF-style: chr18-36718611-C-T. GRCh37 (hg19) VCF-style: chr18-34298574-C-T.
Other names: c.3313C>T (NM_001281740.2); c.2737C>T, p.Arg913Cys (NM_001281739.3); c.2788C>T, p.Arg930Cys (NM_025135.5); short protein forms R1105C, R930C, R913C.
Identifiers: ClinVar variation 3850337 (VCV003850337.4), dbSNP rs190397321.
Genomic context (GRCh38, chr18:36,718,611, plus strand): 5'-ACCATCCGTTTGTTCTGGAATGAAGTTCGGCCTTTTGACTGGCCATGTAAAAACAACCGA[C>T]GCTGCAGAGAATTCCTGTGGTCAAAACTGGAACCCATTAAGGTGGACACTTCCAGACTGG-3'
Protein context (NP_001268669.1, residues 1095-1115): PFDWPCKNNR[Arg1105Cys]CREFLWSKLE